The following is an entry in ClinVar:

NM_000540.3(RYR1):c.3111C>T (p.Ser1037=)

Gene: RYR1 (ryanodine receptor 1; plus strand). Cytogenetic location: 19q13.2.
Variant type: single nucleotide variant.
Coding change: c.3111C>T on transcript NM_000540.3 (MANE Select); coding-DNA position 3111, C replaced by T.
Protein change: p.Ser1037=; no amino-acid change (serine 1037 retained).
Molecular consequence: synonymous variant.
Genome position (GRCh38, 1-based): chr19:38,466,331, C>T. VCF-style: chr19-38466331-C-T. GRCh37 (hg19) VCF-style: chr19-38956971-C-T.
Other names: c.3111C>T, p.Ser1037= (NM_001042723.2).
Identifiers: ClinVar variation 256488 (VCV000256488.67), dbSNP rs145434723, ClinGen allele CA064432.

ClinVar aggregate classification (germline): Conflicting classifications of pathogenicity. Review status: criteria provided, conflicting classifications (1 of 4 stars). 9 submissions from 8 submitters: Uncertain significance (2); Benign (1); Likely benign (6). Last evaluated 2026-09-01.

Conditions:
RYR1-related disorder. Also called: RYR1-related disorders; RYR1-related condition. Identifiers: MedGen CN239331.
Congenital multicore myopathy with external ophthalmoplegia (CMYO1B). Also called: Congenital myopathy 1B, autosomal recessive; Minicore myopathy; MULTIMINICORE DISEASE WITH EXTERNAL OPHTHALMOPLEGIA; Minicore myopathy with external ophthalmoplegia; MULTICORE MYOPATHY. Identifiers: Orphanet 598, Orphanet 98905, MedGen C1850674, MONDO:0009712, OMIM 255320, HP:0003789.
Malignant hyperthermia, susceptibility to, 1 (MHS1). Also called: Malignant hyperthermia suceptibility 1; Anesthesia related hyperthermia; Malignant hyperpyrexia; Fulminating hyperpyrexia; Pharmacogenic myopathy; RYR1-Related Malignant Hyperthermia Susceptibility. Identifiers: Orphanet 423, MedGen C2930980, MONDO:0007783, OMIM 145600.

Allele frequency attached by ClinVar (database versions not stated): ESP Exome Variant Server 0.00039; gnomAD exomes 0.00041 and 0.00051; gnomAD 0.00043 and 0.00047; TOPMed 0.00064; 1000 Genomes Project 30x 0.00078; 1000 Genomes Project 0.00080; ExAC 0.00089.
gnomAD v4.1: 688 of 1,603,884 alleles (0.043%); highest among the groups gnomAD compares: Middle Eastern, 1.1%; 7 homozygotes.

Submissions (9):

CeGaT Center for Human Genetics Tuebingen
Classification: Likely benign. Last evaluated: 2026-09-01. Review status: criteria provided, single submitter. Criteria: CeGaT Center For Human Genetics Tuebingen Variant Classification Criteria Version 2. Collection method: clinical testing. Allele origin: germline. Affected: yes. Observed: 30 variant alleles.
Comment: RYR1: BP4, BP7

Labcorp Genetics (formerly Invitae), Labcorp
Classification: Benign for RYR1-related disorder. Last evaluated: 2026-02-01. Review status: criteria provided, single submitter. Criteria: Invitae Variant Classification Sherloc (09022015). Collection method: clinical testing. Allele origin: germline.

Blueprint Genetics
Classification: Likely benign. Last evaluated: 2024-10-18. Review status: criteria provided, single submitter. Criteria: ACMG Guidelines, 2015. Collection method: clinical testing. Allele origin: germline.

Color Diagnostics, LLC DBA Color Health
Classification: Likely benign for Malignant hyperthermia, susceptibility to, 1. Last evaluated: 2022-11-06. Review status: criteria provided, single submitter. Criteria: ACMG Guidelines, 2015. Collection method: clinical testing. Allele origin: germline.

Illumina Laboratory Services, Illumina
Classification: Likely benign for Malignant hyperthermia, susceptibility to, 1. Last evaluated: 2018-01-13. Review status: criteria provided, single submitter. Criteria: ICSL Variant Classification Criteria 13 December 2019. Collection method: clinical testing. Allele origin: germline.
Comment: This variant was observed in the ICSL laboratory as part of a predisposition screen in an ostensibly healthy population. It had not been previously curated by ICSL or reported in the Human Gene Mutation Database (HGMD: prior to June 1st, 2018), and was therefore a candidate for classification through an automated scoring system. Utilizing variant allele frequency, disease prevalence and penetrance estimates, and inheritance mode, an automated score was calculated to assess if this variant is too frequent to cause the disease. Based on the score and internal cut-off values, a variant classified as likely benign is not then subjected to further curation. The score for this variant resulted in a classification of likely benign for this disease.

Illumina Laboratory Services, Illumina
Classification: Uncertain significance for Congenital multicore myopathy with external ophthalmoplegia. Last evaluated: 2018-01-13. Review status: criteria provided, single submitter. Criteria: ICSL Variant Classification Criteria 13 December 2019. Collection method: clinical testing. Allele origin: germline.

GeneDx
Classification: Likely benign. Last evaluated: 2017-07-11. Review status: criteria provided, single submitter. Criteria: GeneDx Variant Classification (06012015). Collection method: clinical testing. Allele origin: germline. Affected: yes.
Comment: This variant is considered likely benign or benign based on one or more of the following criteria: it is a conservative change, it occurs at a poorly conserved position in the protein, it is predicted to be benign by multiple in silico algorithms, and/or has population frequency not consistent with disease.

Eurofins Ntd Llc (ga)
Classification: Uncertain significance. Last evaluated: 2016-05-20. Review status: criteria provided, single submitter. Criteria: EGL Classification Definitions 2015. Collection method: clinical testing. Allele origin: germline. Observed: 2 variant alleles, 2 heterozygotes.

PreventionGenetics, part of Exact Sciences
Classification: Likely benign. Review status: criteria provided, single submitter. Criteria: ACMG Guidelines, 2015. Collection method: clinical testing. Allele origin: germline.